The following is an entry in ClinVar:

ClinVar aggregate classification (germline): Uncertain significance (1 of 4 stars; one submission).

Conditions:
Situs inversus. Also called: Situs inversus totalis. Identifiers: Orphanet 101063, MedGen C4551493, MONDO:0010029, HP:0001696.

gnomAD v4.1: 3 of 1,581,806 alleles (0.00019%); highest among the groups gnomAD compares: Non-Finnish European, 0.00017%; no homozygotes.

Submission:

Victorian Clinical Genetics Services, Murdoch Childrens Research Institute
Classification: Uncertain significance for Situs inversus. Last evaluated: 2020-05-25. Review status: criteria provided, single submitter. Criteria: ACMG Guidelines, 2015. Collection method: clinical testing. Allele origin: germline. Inheritance: Autosomal dominant inheritance.
Comment: Based on the classification scheme VCGS_Germline_v1.1.1, this variant is classified as VOUS. Following criteria are met: 0102 - Loss-of-function is a known mechanism of disease for this gene. (N) 0107 - This gene is known to be associated with autosomal dominant disease. (N) 0200 - Variant is predicted to result in a missense amino acid change from Ala to Glu. (Exon 1) (N) 0251 - Variant is heterozygous. (N) 0301 - Variant is absent from gnomAD. (P) 0501 - Missense variant consistently predicted to be damaging by multiple in-silico tools or highly conserved with a major amino acid change. (P) 0600 - Variant is located in an annotated domain or motif. Propeptide domain (PDB) (N) 0704 - Comparable variant has low previous evidence for pathogenicity. NODAL:p.(Ala63Ser) listed as a disease variant in a patient with Tetralogy of Fallot (TOF). Functional analysis showed 50% NODAL activity (Roessler, E. et al. (2009)). (P) 0803 - Low previous evidence of pathogenicity in unrelated individuals. NODAL:p.(Ala63Glu) listed as a disease variant in a patient with Laterality (Roessler, E. et al. (2009)). (P) 0905 - No segregation evidence has been identified for this variant. (N) 1007 - No published functional evidence has been identified for this variant. (N) 1208 - Inheritance information for this variant is not currently available. (N) Legend: (P) - Pathogenic, (N) - Neutral, (B) - Benign

Literature cited by the submitters: PubMed 19553149.

NM_018055.5(NODAL):c.188C>A (p.Ala63Glu)

Gene: NODAL (nodal growth differentiation factor; minus strand). Cytogenetic location: 10q22.1.
Variant type: single nucleotide variant.
Coding change: c.188C>A on transcript NM_018055.5 (MANE Select); coding-DNA position 188, C replaced by A.
Protein change: p.Ala63Glu; replaces alanine 63 with glutamic acid.
Molecular consequence: missense variant. On other transcripts: intron variant (1).
Genome position (GRCh38, 1-based): chr10:70,441,480, G>T on the plus strand (C>A on the coding strand, the complement: NODAL is on the minus strand). VCF-style: chr10-70441480-G-T. GRCh37 (hg19) VCF-style: chr10-72201236-G-T.
Other names: c.-206-5497C>A (NM_001329906.2); short protein forms A63E.
Identifiers: ClinVar variation 1805633 (VCV001805633.1), dbSNP rs1414914299, ClinGen allele CA376946874.